The following is an entry in ClinVar:

ClinVar aggregate classification (germline): Uncertain significance (1 of 4 stars; one submission).

Conditions:
Emery-Dreifuss muscular dystrophy 4, autosomal dominant (EDMD4). Also called: EMERY-DREIFUSS MUSCULAR DYSTROPHY 4 WITH VARIABLE FEATURES. Identifiers: Orphanet 261, MedGen C2751807, MONDO:0013071, OMIM 612998.
Autosomal recessive ataxia, Beauce type. Also called: Spinocerebellar ataxia, autosomal recessive 8; ATAXIA, RECESSIVE, OF BEAUCE; SYNE1-Related Autosomal Recessive Cerebellar Ataxia; SYNE1 Deficiency. Identifiers: Orphanet 88644, MedGen C1853116, MONDO:0012549, OMIM 610743.

Allele frequency attached by ClinVar (database versions not stated): gnomAD exomes below 0.00001; TOPMed below 0.00001.
gnomAD v4.1: 2 of 1,614,190 alleles (0.00012%); highest among the groups gnomAD compares: Non-Finnish European, 0.000085%; no homozygotes.

Submission:

Labcorp Genetics (formerly Invitae), Labcorp
Classification: Uncertain significance for Emery-Dreifuss muscular dystrophy 4, autosomal dominant; Autosomal recessive ataxia, Beauce type. Last evaluated: 2023-04-18. Review status: criteria provided, single submitter. Criteria: Invitae Variant Classification Sherloc (09022015). Collection method: clinical testing. Allele origin: germline.
Comment: This sequence change replaces glutamic acid, which is acidic and polar, with lysine, which is basic and polar, at codon 2757 of the SYNE1 protein (p.Glu2757Lys). In summary, the available evidence is currently insufficient to determine the role of this variant in disease. Therefore, it has been classified as a Variant of Uncertain Significance. An algorithm developed to predict the effect of missense changes on protein structure and function (PolyPhen-2) suggests that this variant is likely to be tolerated. This variant has not been reported in the literature in individuals affected with SYNE1-related conditions. This variant is not present in population databases (gnomAD no frequency).

NM_182961.4(SYNE1):c.8248G>A (p.Glu2750Lys)

Gene: SYNE1 (spectrin repeat containing nuclear envelope protein 1; minus strand). Cytogenetic location: 6q25.2.
Variant type: single nucleotide variant.
Coding change: c.8248G>A on transcript NM_182961.4 (MANE Select); coding-DNA position 8248, G replaced by A.
Protein change: p.Glu2750Lys; replaces glutamic acid 2750 with lysine.
Molecular consequence: missense variant.
Genome position (GRCh38, 1-based): chr6:152,387,311, C>T on the plus strand (G>A on the coding strand, the complement: SYNE1 is on the minus strand). VCF-style: chr6-152387311-C-T. GRCh37 (hg19) VCF-style: chr6-152708446-C-T.
Other names: c.8269G>A, p.Glu2757Lys (NM_033071.5); short protein forms E2750K, E2757K.
Identifiers: ClinVar variation 2934361 (VCV002934361.3), dbSNP rs2097539102, ClinGen allele CA366147056.